The following is an entry in ClinVar:

ClinVar aggregate classification (germline): Uncertain significance (1 of 4 stars; one submission).

Submission:

GeneDx
Classification: Uncertain significance. Last evaluated: 2026-03-31. Review status: criteria provided, single submitter. Criteria: GeneDx Variant Classification Process June 2021. Collection method: clinical testing. Allele origin: germline.
Comment: Not observed at significant frequency in large population cohorts (gnomAD); In silico analysis suggests that this missense variant does not alter protein structure/function; Has not been previously published as pathogenic or benign to our knowledge

NM_005902.4(SMAD3):c.583C>G (p.Gln195Glu)

Gene: SMAD3 (SMAD family member 3; plus strand). Cytogenetic location: 15q22.33.
Variant type: single nucleotide variant.
Coding change: c.583C>G on transcript NM_005902.4 (MANE Select); coding-DNA position 583, C replaced by G.
Protein change: p.Gln195Glu; replaces glutamine 195 with glutamic acid.
Molecular consequence: missense variant. On other transcripts: 5 prime UTR variant (2).
Genome position (GRCh38, 1-based): chr15:67,166,829, C>G. VCF-style: chr15-67166829-C-G. GRCh37 (hg19) VCF-style: chr15-67459167-C-G.
Other names: c.268C>G, p.Gln90Glu (NM_001145102.2, NM_001407016.1); c.451C>G, p.Gln151Glu (NM_001145103.2, NM_001407012.1); c.-3C>G (NM_001145104.2, NM_001407017.1); c.583C>G, p.Gln195Glu (NM_001407011.1, NM_001407013.1); c.436C>G, p.Gln146Glu (NM_001407014.1); c.136C>G, p.Gln46Glu (NM_001407015.1); short protein forms Q146E, Q151E, Q195E, Q46E, Q90E.
Identifiers: ClinVar variation 5018027 (VCV005018027.1).
Genomic context (GRCh38, chr15:67,166,829, plus strand): 5'-TGATTCCCAGAGACCCCACCCCCTGGCTACCTGAGTGAAGATGGAGAAACCAGTGACCAC[C>G]AGATGAACCACAGCATGGACGCAGGTCAGTCATGCAGGGTCATGCTCTTATTCTTAACTG-3'
Protein context (NP_005893.1, residues 185-205): LSEDGETSDH[Gln195Glu]MNHSMDAGSP